The following is an entry in ClinVar:

NM_000111.3(SLC26A3):c.1312-1G>A

Gene: SLC26A3 (solute carrier family 26 member 3; minus strand). Cytogenetic location: 7q22.3.
Variant type: single nucleotide variant.
Coding change: c.1312-1G>A on transcript NM_000111.3 (MANE Select); the canonical splice acceptor site of the intron before coding-DNA position 1312, G replaced by A.
Molecular consequence: splice acceptor variant.
Genome position (GRCh38, 1-based): chr7:107,779,764, C>T on the plus strand (G>A on the coding strand, the complement: SLC26A3 is on the minus strand). VCF-style: chr7-107779764-C-T. GRCh37 (hg19) VCF-style: chr7-107420209-C-T.
Identifiers: ClinVar variation 55967 (VCV000055967.2), dbSNP rs386833449, ClinGen allele CA144046.
Genomic context (GRCh38, chr7:107,779,764, plus strand): 5'-TTCAGCAAACTGCATCAGCATTCCCTTTAAGTTTCCCAATGCTAAAGCTGCCAGGACGGA[C>T]TGTGAAAAACACAAACATCAGATGTACTTTAAGTTAATGAAATAAACCACAGGGAAGCAA-3'

ClinVar aggregate classification (germline): Likely pathogenic (0 of 4 stars; one submission).

Conditions:
Congenital secretory diarrhea, chloride type (DIAR1). Also called: DIARRHEA 1, SECRETORY CHLORIDE, CONGENITAL; CHLORIDORRHEA, CONGENITAL; CHLORIDE DIARRHEA, CONGENITAL, FINNISH TYPE. Identifiers: Orphanet 53689, MedGen C0267662, MONDO:0008964, OMIM 214700.

Allele frequency attached by ClinVar (database versions not stated): gnomAD exomes below 0.00001.
gnomAD v4.1: 1 of 1,612,424 alleles (0.000062%); highest among the groups gnomAD compares: Non-Finnish European, 0.000085%; no homozygotes.

Submission:

Juha Muilu Group; Institute for Molecular Medicine Finland (FIMM)
Classification: Likely pathogenic for Congenital secretory diarrhea, chloride type. Review status: no assertion criteria provided. Collection method: not provided. Allele origin: unknown.
Comment: FinDis database variant: This variant was not found or characterized by our laboratory, data were collected from public sources: see reference
ClinVar note: Converted during submission from probable-pathogenic to Likely pathogenic.